The following is an entry in ClinVar:

ClinVar aggregate classification (germline): Uncertain significance (1 of 4 stars; one submission).

Conditions:
Charcot-Marie-Tooth Neuropathy X. Identifiers: MedGen CN118851.

Submission:

Labcorp Genetics (formerly Invitae), Labcorp
Classification: Uncertain significance for Charcot-Marie-Tooth Neuropathy X. Last evaluated: 2016-10-08. Review status: criteria provided, single submitter. Criteria: Invitae Variant Classification Sherloc (09022015). Collection method: clinical testing. Allele origin: germline.
Comment: Algorithms developed to predict the effect of missense changes on protein structure and function do not agree on the potential impact of this missense change (SIFT: "Deleterious"; PolyPhen-2: "Benign"; Align-GVGD: "Class C25"). This sequence change replaces valine with leucine at codon 181 of the GJB1 protein (p.Val181Leu). The valine residue is highly conserved and there is a small physicochemical difference between valine and leucine. This variant is not present in population databases (ExAC no frequency). This variant has been reported in an individual affected with Charcot-Marie-Tooth disease type X (PMID: 18380031). A different missense substitution at this codon (p.Val181Ala) has been determined to be pathogenic (PMID: 14627639). In addition, a different missense substitution at this codon (p.Val181Met) has been reported in a patient with Charcot-Marie-Tooth disease type X (PMID: 9361298). This suggests that the valine residue is critical for GJB1 protein function and that other missense substitutions at this position may also be pathogenic. This missense change is located in a region of the GJB1 protein where a significant number of previously reported GJB1 missense mutations are found (PMID: 9361298, 20128140, 17100997, 16922730,15006706,9187667). These observations suggest that a previously unreported missense substitution within this region may affect protein function, but experiments have not been done to test this possibility. In summary, this variant is a rare missense change with uncertain impact on protein function. While it is absent from the population and reported in affected individuals, the available evidence is currently insufficient to determine its role in disease. Therefore, it has been classified as a Variant of Uncertain Significance.

Literature cited by the submitters: PubMed 18380031; PubMed 14627639; PubMed 9361298; PubMed 20128140; PubMed 17100997; PubMed 16922730; PubMed 15006706; PubMed 9187667.

NM_000166.6(GJB1):c.541G>T (p.Val181Leu)

Gene: GJB1 (gap junction protein beta 1; plus strand). Cytogenetic location: Xq13.1.
Variant type: single nucleotide variant.
Coding change: c.541G>T on transcript NM_000166.6 (MANE Select); coding-DNA position 541, G replaced by T.
Protein change: p.Val181Leu; replaces valine 181 with leucine.
Molecular consequence: missense variant.
Genome position (GRCh38, 1-based): chrX:71,224,248, G>T. VCF-style: chrX-71224248-G-T. GRCh37 (hg19) VCF-style: chrX-70444098-G-T.
Other names: c.541G>T, p.Val181Leu (NM_001097642.3); short protein forms V181L.
Identifiers: ClinVar variation 406230 (VCV000406230.8), dbSNP rs879253909, ClinGen allele CA16616539.